The following is an entry in ClinVar:

NM_030761.5(WNT4):c.957G>C (p.Gln319His)

Gene: WNT4 (Wnt family member 4; minus strand). Cytogenetic location: 1p36.12.
Variant type: single nucleotide variant.
Coding change: c.957G>C on transcript NM_030761.5 (MANE Select); coding-DNA position 957, G replaced by C.
Protein change: p.Gln319His; replaces glutamine 319 with histidine.
Molecular consequence: missense variant.
Genome position (GRCh38, 1-based): chr1:22,120,149, C>G on the plus strand (G>C on the coding strand, the complement: WNT4 is on the minus strand). VCF-style: chr1-22120149-C-G. GRCh37 (hg19) VCF-style: chr1-22446642-C-G.
Other names: c.957G>C (NM_030761.4); short protein forms Q319H.
Identifiers: ClinVar variation 2729471 (VCV002729471.5), dbSNP rs762450084, ClinGen allele CA675236.

ClinVar aggregate classification (germline): Uncertain significance. Review status: criteria provided, multiple submitters, no conflicts (2 of 4 stars). 3 submissions from 3 submitters: Uncertain significance (3). Last evaluated 2024-07-26.

Conditions:
SERKAL syndrome (SERKAL). Also called: 46,XX SEX REVERSAL WITH DYSGENESIS OF KIDNEYS, ADRENALS, AND LUNGS. Identifiers: Orphanet 139466, MedGen C2678492, MONDO:0012734, OMIM 611812.
Mullerian aplasia and hyperandrogenism. Also called: MULLERIAN DUCT FAILURE AND HYPERANDROGENISM. Identifiers: Orphanet 247768, MedGen C2675014, MONDO:0008019, OMIM 158330.
Inborn genetic diseases. Identifiers: MedGen C0950123, MeSH D030342.

Allele frequency attached by ClinVar (database versions not stated): gnomAD exomes below 0.00001; TOPMed 0.00002; ExAC 0.00003.
gnomAD v4.1: 7 of 1,613,522 alleles (0.00043%); highest among the groups gnomAD compares: African/African-American, 0.0093%; no homozygotes.

Submissions (3):

Ambry Genetics
Classification: Uncertain significance for Inborn genetic diseases. Last evaluated: 2024-07-26. Review status: criteria provided, single submitter. Criteria: Ambry Variant Classification Scheme 2023. Collection method: clinical testing. Allele origin: germline.

Fulgent Genetics
Classification: Uncertain significance for Mullerian aplasia and hyperandrogenism; SERKAL syndrome. Last evaluated: 2024-05-22. Review status: criteria provided, single submitter. Criteria: ACMG Guidelines, 2015. Collection method: clinical testing. Allele origin: germline.

Labcorp Genetics (formerly Invitae), Labcorp
Classification: Uncertain significance. Last evaluated: 2022-12-08. Review status: criteria provided, single submitter. Criteria: Invitae Variant Classification Sherloc (09022015). Collection method: clinical testing. Allele origin: germline.
Comment: This sequence change replaces glutamine, which is neutral and polar, with histidine, which is basic and polar, at codon 319 of the WNT4 protein (p.Gln319His). This variant is present in population databases (rs762450084, gnomAD 0.02%). This variant has not been reported in the literature in individuals affected with WNT4-related conditions. Advanced modeling of protein sequence and biophysical properties (such as structural, functional, and spatial information, amino acid conservation, physicochemical variation, residue mobility, and thermodynamic stability) performed at Invitae indicates that this missense variant is not expected to disrupt WNT4 protein function. In summary, the available evidence is currently insufficient to determine the role of this variant in disease. Therefore, it has been classified as a Variant of Uncertain Significance.